The following is an entry in ClinVar:

ClinVar aggregate classification (germline): Uncertain significance. Review status: criteria provided, multiple submitters, no conflicts (2 of 4 stars). 2 submissions from 2 submitters: Uncertain significance (2). Last evaluated 2025-10-18.

Conditions:
Polyglandular autoimmune syndrome, type 1 (APS1). Also called: Whitaker syndrome; HYPOADRENOCORTICISM WITH HYPOPARATHYROIDISM AND SUPERFICIAL MONILIASIS; Autoimmune polyendocrine syndrome type 1; Autoimmune polyendocrinopathy syndrome, type I; AUTOIMMUNE POLYENDOCRINE SYNDROME, TYPE I, WITH OR WITHOUT REVERSIBLE METAPHYSEAL DYSPLASIA; APS I. Identifiers: Orphanet 3453, MedGen C0085859, MONDO:0009411, OMIM 240300.

Submissions (2):

Labcorp Genetics (formerly Invitae), Labcorp
Classification: Uncertain significance for Polyglandular autoimmune syndrome, type 1. Last evaluated: 2025-10-18. Review status: criteria provided, single submitter. Criteria: Invitae Variant Classification Sherloc (09022015). Collection method: clinical testing. Allele origin: germline.
Comment: This sequence change replaces proline, which is neutral and non-polar, with leucine, which is neutral and non-polar, at codon 331 of the AIRE protein (p.Pro331Leu). This variant is not present in population databases (gnomAD no frequency). This missense change has been observed in individual(s) with hypoparathyroidism (PMID: 31433868). ClinVar contains an entry for this variant (Variation ID: 2578311). Invitae Evidence Modeling of protein sequence and biophysical properties (such as structural, functional, and spatial information, amino acid conservation, physicochemical variation, residue mobility, and thermodynamic stability) indicates that this missense variant is expected to disrupt AIRE protein function with a positive predictive value of 95%. In summary, the available evidence is currently insufficient to determine the role of this variant in disease. Therefore, it has been classified as a Variant of Uncertain Significance.

GeneDx
Classification: Uncertain significance. Last evaluated: 2023-02-27. Review status: criteria provided, single submitter. Criteria: GeneDx Variant Classification Process June 2021. Collection method: clinical testing. Allele origin: germline. Affected: yes.
Comment: Identified with a second AIRE variant, phase unknown, in an individual with isolated childhood-onset hypoparathyroidism in published literature (Wang et al., 2019); Not observed at significant frequency in large population cohorts (gnomAD); In silico analysis supports that this missense variant has a deleterious effect on protein structure/function; This variant is associated with the following publications: (PMID: 31433868)

Literature cited by the submitters: PubMed 31433868 (cited by Labcorp Genetics (formerly Invitae), Labcorp).

NM_000383.4(AIRE):c.992C>T (p.Pro331Leu)

Gene: AIRE (autoimmune regulator; plus strand). Cytogenetic location: 21q22.3.
Variant type: single nucleotide variant.
Coding change: c.992C>T on transcript NM_000383.4 (MANE Select); coding-DNA position 992, C replaced by T.
Protein change: p.Pro331Leu; replaces proline 331 with leucine.
Molecular consequence: missense variant.
Genome position (GRCh38, 1-based): chr21:44,291,207, C>T. VCF-style: chr21-44291207-C-T. GRCh37 (hg19) VCF-style: chr21-45711090-C-T.
Other names: short protein forms P331L.
Identifiers: ClinVar variation 2578311 (VCV002578311.2), dbSNP rs2517882218, ClinGen allele CA410425022.